The following is an entry in ClinVar:

NM_021961.6(TEAD1):c.976G>C (p.Val326Leu)

Gene: TEAD1 (TEA domain transcription factor 1; plus strand). Cytogenetic location: 11p15.3.
Variant type: single nucleotide variant.
Coding change: c.976G>C on transcript NM_021961.6 (MANE Select); coding-DNA position 976, G replaced by C.
Protein change: p.Val326Leu; replaces valine 326 with leucine.
Molecular consequence: missense variant.
Genome position (GRCh38, 1-based): chr11:12,925,014, G>C. VCF-style: chr11-12925014-G-C. GRCh37 (hg19) VCF-style: chr11-12946561-G-C.
Other names: short protein forms V326L.
Identifiers: ClinVar variation 3660618 (VCV003660618.2).

ClinVar aggregate classification (germline): Uncertain significance (1 of 4 stars; one submission).

Submission:

Labcorp Genetics (formerly Invitae), Labcorp
Classification: Uncertain significance. Last evaluated: 2025-07-07. Review status: criteria provided, single submitter. Criteria: Invitae Variant Classification Sherloc (09022015). Collection method: clinical testing. Allele origin: germline.
Comment: This sequence change replaces valine, which is neutral and non-polar, with leucine, which is neutral and non-polar, at codon 326 of the TEAD1 protein (p.Val326Leu). This variant is not present in population databases (gnomAD no frequency). This variant has not been reported in the literature in individuals affected with TEAD1-related conditions. ClinVar contains an entry for this variant (Variation ID: 3660618). Invitae Evidence Modeling of protein sequence and biophysical properties (such as structural, functional, and spatial information, amino acid conservation, physicochemical variation, residue mobility, and thermodynamic stability) indicates that this missense variant is not expected to disrupt TEAD1 protein function with a negative predictive value of 80%. In summary, the available evidence is currently insufficient to determine the role of this variant in disease. Therefore, it has been classified as a Variant of Uncertain Significance.